The following is an entry in ClinVar:

ClinVar aggregate classification (germline): Uncertain significance (1 of 4 stars; one submission).

gnomAD v4.1: 10 of 1,211,484 alleles (0.00083%); highest among the groups gnomAD compares: South Asian, 0.0035%; no homozygotes.

Submission:

Labcorp Genetics (formerly Invitae), Labcorp
Classification: Uncertain significance. Last evaluated: 2025-02-23. Review status: criteria provided, single submitter. Criteria: Invitae Variant Classification Sherloc (09022015). Collection method: clinical testing. Allele origin: germline.
Comment: This sequence change replaces arginine, which is basic and polar, with cysteine, which is neutral and slightly polar, at codon 36 of the MID1 protein (p.Arg36Cys). This variant is not present in population databases (gnomAD no frequency). This variant has not been reported in the literature in individuals affected with MID1-related conditions. Invitae Evidence Modeling of protein sequence and biophysical properties (such as structural, functional, and spatial information, amino acid conservation, physicochemical variation, residue mobility, and thermodynamic stability) indicates that this missense variant is not expected to disrupt MID1 protein function with a negative predictive value of 80%. In summary, the available evidence is currently insufficient to determine the role of this variant in disease. Therefore, it has been classified as a Variant of Uncertain Significance.

NM_000381.4(MID1):c.106C>T (p.Arg36Cys)

Gene: MID1 (midline 1; minus strand). Cytogenetic location: Xp22.2.
Variant type: single nucleotide variant.
Coding change: c.106C>T on transcript NM_000381.4 (MANE Select); coding-DNA position 106, C replaced by T.
Protein change: p.Arg36Cys; replaces arginine 36 with cysteine.
Molecular consequence: missense variant.
Genome position (GRCh38, 1-based): chrX:10,567,442, G>A on the plus strand (C>T on the coding strand, the complement: MID1 is on the minus strand). VCF-style: chrX-10567442-G-A. GRCh37 (hg19) VCF-style: chrX-10535482-G-A.
Other names: c.106C>T, p.Arg36Cys (NM_001098624.2, NM_001193277.1, NM_001193278.1 and 5 more transcripts); short protein forms R36C.
Identifiers: ClinVar variation 4762492 (VCV004762492.1).